The following is an entry in ClinVar:

NM_153676.4(USH1C):c.2112A>G (p.Pro704=)

Gene: USH1C (USH1 protein network component harmonin; minus strand). Cytogenetic location: 11p15.1.
Variant type: single nucleotide variant.
Coding change: c.2112A>G on transcript NM_153676.4 (MANE Select); coding-DNA position 2112, A replaced by G.
Protein change: p.Pro704=; no amino-acid change (proline 704 retained).
Molecular consequence: synonymous variant. On other transcripts: intron variant (2).
Genome position (GRCh38, 1-based): chr11:17,505,851, T>C on the plus strand (A>G on the coding strand, the complement: USH1C is on the minus strand). VCF-style: chr11-17505851-T-C. GRCh37 (hg19) VCF-style: chr11-17527398-T-C.
Other names: c.1228-3871A>G (NM_001297764.2); c.1285-3871A>G (NM_005709.4).
Identifiers: ClinVar variation 179845 (VCV000179845.19), dbSNP rs199532754, ClinGen allele CA185253.

ClinVar aggregate classification (germline): Likely benign. Review status: criteria provided, multiple submitters, no conflicts (2 of 4 stars). 6 submissions from 6 submitters: Likely benign (5). 1 of the submissions does not count toward it. Last evaluated 2024-08-07.

Conditions:
USH1C-related disorder. Also called: USH1C-related condition.
Usher syndrome type 1C. Also called: USHER SYNDROME, TYPE I, ACADIAN VARIETY. Identifiers: Orphanet 231169, Orphanet 886, MedGen C1848604, MONDO:0010171, OMIM 276904.
Usher syndrome type 1 (USH1). Also called: RETINITIS PIGMENTOSA AND CONGENITAL DEAFNESS. Identifiers: Orphanet 231169, Orphanet 886, MedGen C1568247, MONDO:0010168, OMIM 276900.
Autosomal recessive nonsyndromic hearing loss 18A. Also called: DEAFNESS, AUTOSOMAL RECESSIVE 18; Deafness, autosomal recessive 18A. Identifiers: Orphanet 90636, MedGen C1865870, MONDO:0011192, OMIM 602092.

Allele frequency attached by ClinVar (database versions not stated): gnomAD exomes 0.00003 and 0.00008; gnomAD 0.00005 and 0.00006; ExAC 0.00008; TOPMed 0.00008; 1000 Genomes Project 0.00020; 1000 Genomes Project 30x 0.00031.
gnomAD v4.1: 66 of 1,614,160 alleles (0.0041%); highest among the groups gnomAD compares: East Asian, 0.1%; no homozygotes.

Submissions (6):

Blueprint Genetics
Classification: Likely benign. Last evaluated: 2024-08-07. Review status: criteria provided, single submitter. Criteria: ACMG Guidelines, 2015. Collection method: clinical testing. Allele origin: germline.

Fulgent Genetics
Classification: Likely benign for Usher syndrome type 1; Usher syndrome type 1C; Autosomal recessive nonsyndromic hearing loss 18A. Last evaluated: 2021-07-30. Review status: criteria provided, single submitter. Criteria: ACMG Guidelines, 2015. Collection method: clinical testing. Allele origin: unknown.

GeneDx
Classification: Likely benign. Last evaluated: 2021-04-27. Review status: criteria provided, single submitter. Criteria: GeneDx Variant Classification Process June 2021. Collection method: clinical testing. Allele origin: germline. Affected: yes.

Labcorp Genetics (formerly Invitae), Labcorp
Classification: Likely benign. Last evaluated: 2019-09-09. Review status: criteria provided, single submitter. Criteria: Invitae Variant Classification Sherloc (09022015). Collection method: clinical testing. Allele origin: germline.

Laboratory for Molecular Medicine, Mass General Brigham Personalized Medicine
Classification: Likely benign. Last evaluated: 2016-03-03. Review status: criteria provided, single submitter. Criteria: LMM Criteria. Collection method: clinical testing. Allele origin: germline. Observed: 2 variant alleles.
Comment: p.Pro704Pro in exon 19 of USH1C: This variant is not expected to have clinical s ignificance because it does not alter an amino acid residue and is not located w ithin the splice consensus sequence. In addition, it has been identified in 9/86 46 East Asian chromosomes by the Exome Aggregation Consortium (ExAC .; dbSNP rs199532754).

PreventionGenetics, part of Exact Sciences
Classification: Likely benign for USH1C-related condition. Last evaluated: 2024-07-06. Review status: no assertion criteria provided. Collection method: clinical testing. Allele origin: germline. Not counted in ClinVar's aggregate classification.
Comment: This variant is classified as likely benign based on ACMG/AMP sequence variant interpretation guidelines (Richards et al. 2015 PMID: 25741868, with internal and published modifications).